The following is an entry in ClinVar:

NM_001040108.2(MLH3):c.1548T>G (p.Cys516Trp)

Gene: MLH3 (mutL homolog 3; minus strand). Cytogenetic location: 14q24.3.
Variant type: single nucleotide variant.
Coding change: c.1548T>G on transcript NM_001040108.2 (MANE Select); coding-DNA position 1548, T replaced by G.
Protein change: p.Cys516Trp; replaces cysteine 516 with tryptophan.
Molecular consequence: missense variant.
Genome position (GRCh38, 1-based): chr14:75,048,108, A>C on the plus strand (T>G on the coding strand, the complement: MLH3 is on the minus strand). VCF-style: chr14-75048108-A-C. GRCh37 (hg19) VCF-style: chr14-75514811-A-C.
Other names: c.1548T>G, p.Cys516Trp (NM_014381.3); short protein forms C516W.
Identifiers: ClinVar variation 3232449 (VCV003232449.1), dbSNP rs2503292535, ClinGen allele CA390445122.

ClinVar aggregate classification (germline): Uncertain significance (1 of 4 stars; one submission).

Submission:

Ambry Genetics
Classification: Uncertain significance. Last evaluated: 2023-11-04. Review status: criteria provided, single submitter. Criteria: Ambry Variant Classification Scheme 2023. Collection method: clinical testing. Allele origin: germline.
Comment: The p.C516W variant (also known as c.1548T>G), located in coding exon 1 of the MLH3 gene, results from a T to G substitution at nucleotide position 1548. The cysteine at codon 516 is replaced by tryptophan, an amino acid with highly dissimilar properties. This amino acid position is conserved. In addition, this alteration is predicted to be tolerated by in silico analysis. Since supporting evidence is limited at this time, the clinical significance of this alteration remains unclear.